The following is an entry in ClinVar:

NM_001018115.3(FANCD2):c.796_798del (p.Val266del)

Genes: FANCD2 (FA complementation group D2; plus strand), LOC107303338 (3p25 FANCD2 Alu-mediated recombination region; plus strand). Cytogenetic location: 3p25.3.
Variant type: Deletion.
Coding change: c.796_798del on transcript NM_001018115.3 (MANE Select); coding-DNA positions 796 to 798, 3 bases deleted (GTG; older notation c.796_798delGTG).
Protein change: p.Val266del; deletes valine 266.
Molecular consequence: inframe deletion.
Genome position (GRCh38, 1-based): chr3:10,042,571-10,042,573, GTG deleted; deleting any 3 consecutive bases within chr3:10,042,569-10,042,573 gives the same sequence; the c. name uses the placement nearest the transcript's 3' end. VCF-style (leftmost placement, unchanged base first): chr3-10042568-TTGG-T. GRCh37 (hg19) VCF-style: chr3-10084252-TTGG-T.
Other names: c.796_798del, p.Val266del (NM_001319984.2, NM_001374253.1, NM_001374254.1 and 1 more transcripts); short protein forms V266del.
Identifiers: ClinVar variation 2156623 (VCV002156623.3), dbSNP rs781304806, ClinGen allele CA2249371.

ClinVar aggregate classification (germline): Uncertain significance (1 of 4 stars; one submission).

Conditions:
Fanconi anemia (FA). Also called: Fanconi's anemia. Identifiers: Orphanet 84, MedGen C0015625, MeSH D005199, MONDO:0019391.

Submission:

Labcorp Genetics (formerly Invitae), Labcorp
Classification: Uncertain significance for Fanconi anemia. Last evaluated: 2024-09-05. Review status: criteria provided, single submitter. Criteria: Invitae Variant Classification Sherloc (09022015). Collection method: clinical testing. Allele origin: germline.
Comment: This variant, c.796_798del, results in the deletion of 1 amino acid(s) of the FANCD2 protein (p.Val266del), but otherwise preserves the integrity of the reading frame. This variant is present in population databases (rs781304806, gnomAD 0.003%). This variant has not been reported in the literature in individuals affected with FANCD2-related conditions. ClinVar contains an entry for this variant (Variation ID: 2156623). Experimental studies and prediction algorithms are not available or were not evaluated, and the functional significance of this variant is currently unknown. In summary, the available evidence is currently insufficient to determine the role of this variant in disease. Therefore, it has been classified as a Variant of Uncertain Significance.